The following is an entry in ClinVar:

NM_000179.3(MSH6):c.1589A>G (p.Asp530Gly)

Gene: MSH6 (mutS homolog 6; plus strand). Cytogenetic location: 2p16.3.
Variant type: single nucleotide variant.
Coding change: c.1589A>G on transcript NM_000179.3 (MANE Select); coding-DNA position 1589, A replaced by G.
Protein change: p.Asp530Gly; replaces aspartic acid 530 with glycine.
Molecular consequence: missense variant.
Genome position (GRCh38, 1-based): chr2:47,799,572, A>G. VCF-style: chr2-47799572-A-G. GRCh37 (hg19) VCF-style: chr2-48026711-A-G.
Other names: c.1199A>G, p.Asp400Gly (NM_001281492.2); c.683A>G, p.Asp228Gly (NM_001281493.2, NM_001281494.2, NM_001406811.1 and 6 more transcripts); c.1685A>G, p.Asp562Gly (NM_001406795.1, NM_001406802.1); c.1589A>G, p.Asp530Gly (NM_001406796.1, NM_001406798.1, NM_001406800.1 and 4 more transcripts); c.1292A>G, p.Asp431Gly (NM_001406797.1, NM_001406801.1, NM_001406805.1 and 10 more transcripts); c.1064A>G, p.Asp355Gly (NM_001406799.1, NM_001406806.1, NM_001406807.1); c.1511A>G, p.Asp504Gly (NM_001406804.1); c.1595A>G, p.Asp532Gly (NM_001406813.1); and 1 more; short protein forms D431G, D474G, D504G, D400G, D228G, D355G, D532G, D530G.
Identifiers: ClinVar variation 1775857 (VCV001775857.2), dbSNP rs2104353595, ClinGen allele CA346746896.
Genomic context (GRCh38, chr2:47,799,572, plus strand): 5'-GGAGGGAGATCTGTAGGATCATTACCAAGGGTACACAGACTTACAGTGTGCTGGAAGGTG[A>G]TCCCTCTGAGAACTACAGTAAGTATCTTCTTAGCCTCAAAGAAAAAGAGGAAGATTCTTC-3'
Protein context (NP_000170.1, residues 520-540): GTQTYSVLEG[Asp530Gly]PSENYSKYLL

ClinVar aggregate classification (germline): Uncertain significance (1 of 4 stars; one submission).

Conditions:
Hereditary cancer-predisposing syndrome. Also called: Neoplastic Syndromes, Hereditary; Tumor predisposition; Hereditary Cancer Syndrome; Hereditary neoplastic syndrome. Identifiers: Orphanet 140162, MedGen C0027672, MeSH D009386, MONDO:0015356.

Submission:

Ambry Genetics
Classification: Uncertain significance for Hereditary cancer-predisposing syndrome. Last evaluated: 2020-08-31. Review status: criteria provided, single submitter. Criteria: Ambry Variant Classification Scheme 2023. Collection method: clinical testing. Allele origin: germline.
Comment: The p.D530G variant (also known as c.1589A>G), located in coding exon 4 of the MSH6 gene, results from an A to G substitution at nucleotide position 1589. The aspartic acid at codon 530 is replaced by glycine, an amino acid with similar properties. This amino acid position is not well conserved in available vertebrate species. In addition, the in silico prediction for this alteration is inconclusive. Since supporting evidence is limited at this time, the clinical significance of this alteration remains unclear.